The following is an entry in ClinVar:

ClinVar aggregate classification (germline): Uncertain significance (1 of 4 stars; one submission).

Conditions:
PTPRQ-related disorder. Also called: PTPRQ-related condition.

gnomAD v4.1: 128 of 1,549,988 alleles (0.0083%); highest among the groups gnomAD compares: Non-Finnish European, 0.011%; no homozygotes.

Submission:

PreventionGenetics, part of Exact Sciences
Classification: Uncertain significance for PTPRQ-related condition. Last evaluated: 2026-01-13. Review status: criteria provided, single submitter. Criteria: ACMG Guidelines, 2015. Collection method: clinical testing. Allele origin: germline.
Comment: The PTPRQ c.955G>A variant is predicted to result in the amino acid substitution p.Gly319Arg. To our knowledge, this variant has not been reported in the literature. This variant is reported in 0.0067% of alleles in individuals of European (Non-Finnish) descent in gnomAD. At this time, the clinical significance of this variant is uncertain due to the absence of conclusive functional and genetic evidence.

NM_001145026.2(PTPRQ):c.955G>A (p.Gly319Arg)

Gene: PTPRQ (protein tyrosine phosphatase receptor type Q; plus strand). Cytogenetic location: 12q21.31.
Variant type: single nucleotide variant.
Coding change: c.955G>A on transcript NM_001145026.2 (MANE Select); coding-DNA position 955, G replaced by A.
Protein change: p.Gly319Arg; replaces glycine 319 with arginine.
Molecular consequence: missense variant.
Genome position (GRCh38, 1-based): chr12:80,468,754, G>A. VCF-style: chr12-80468754-G-A. GRCh37 (hg19) VCF-style: chr12-80862533-G-A.
Other names: short protein forms G319R.
Identifiers: ClinVar variation 4979230 (VCV004979230.1).